The following is an entry in ClinVar:

ClinVar aggregate classification (germline): Uncertain significance. Review status: criteria provided, multiple submitters, no conflicts (2 of 4 stars). 2 submissions from 2 submitters: Uncertain significance (2). Last evaluated 2025-09-04.

Conditions:
VPS13B-related disorder. Also called: VPS13B-related condition.
Cohen syndrome (COH1). Also called: PEPPER SYNDROME; Cutis verticis gyrata, retinitis pigmentosa, and sensorineural deafness. Identifiers: Orphanet 193, MedGen C0265223, MONDO:0008999, OMIM 216550.

Allele frequency attached by ClinVar (database versions not stated): TOPMed 0.00002.
gnomAD v4.1: 16 of 1,613,956 alleles (0.00099%); highest among the groups gnomAD compares: Non-Finnish European, 0.0013%; no homozygotes.

Submissions (2):

PreventionGenetics, part of Exact Sciences
Classification: Uncertain significance for VPS13B-related condition. Last evaluated: 2025-09-04. Review status: criteria provided, single submitter. Criteria: ACMG Guidelines, 2015. Collection method: clinical testing. Allele origin: germline.
Comment: The VPS13B c.6988G>A variant is predicted to result in the amino acid substitution p.Val2330Ile. To our knowledge, this variant has not been reported in the literature or in a large population database (gnomAD), indicating this variant is rare. At this time, the clinical significance of this variant is uncertain due to the absence of conclusive functional and genetic evidence.

Labcorp Genetics (formerly Invitae), Labcorp
Classification: Uncertain significance for Cohen syndrome. Last evaluated: 2022-03-04. Review status: criteria provided, single submitter. Criteria: Invitae Variant Classification Sherloc (09022015). Collection method: clinical testing. Allele origin: germline.
Comment: This sequence change replaces valine, which is neutral and non-polar, with isoleucine, which is neutral and non-polar, at codon 2355 of the VPS13B protein (p.Val2355Ile). This variant is not present in population databases (gnomAD no frequency). This variant has not been reported in the literature in individuals affected with VPS13B-related conditions. Algorithms developed to predict the effect of missense changes on protein structure and function are either unavailable or do not agree on the potential impact of this missense change (SIFT: "Not Available"; PolyPhen-2: "Benign"; Align-GVGD: "Not Available"). In summary, the available evidence is currently insufficient to determine the role of this variant in disease. Therefore, it has been classified as a Variant of Uncertain Significance.

NM_152564.5(VPS13B):c.6988G>A (p.Val2330Ile)

Gene: VPS13B (vacuolar protein sorting 13 homolog B; plus strand). Cytogenetic location: 8q22.2.
Variant type: single nucleotide variant.
Coding change: c.6988G>A on transcript NM_152564.5 (MANE Select); coding-DNA position 6988, G replaced by A.
Protein change: p.Val2330Ile; replaces valine 2330 with isoleucine.
Molecular consequence: missense variant.
Genome position (GRCh38, 1-based): chr8:99,720,985, G>A. VCF-style: chr8-99720985-G-A. GRCh37 (hg19) VCF-style: chr8-100733213-G-A.
Other names: c.7063G>A, p.Val2355Ile (NM_017890.5); short protein forms V2330I, V2355I.
Identifiers: ClinVar variation 2152239 (VCV002152239.2), dbSNP rs1225625819, ClinGen allele CA371868560.